The following is an entry in ClinVar:

ClinVar aggregate classification (germline): Benign. Review status: criteria provided, multiple submitters, no conflicts (2 of 4 stars). 2 submissions from 2 submitters: Benign (2). Last evaluated 2018-06-14.

Allele frequency attached by ClinVar (database versions not stated): TOPMed 0.80117; 1000 Genomes Project 30x 0.80231; 1000 Genomes Project 0.80711; gnomAD 0.82409.
gnomAD v4.1: 781,975 of 878,744 alleles (89%); highest among the groups gnomAD compares: East Asian, 94%; 351,627 homozygotes.

Submissions (2):

GeneDx
Classification: Benign. Last evaluated: 2018-06-14. Review status: criteria provided, single submitter. Criteria: GeneDx Variant Classification (06012015). Collection method: clinical testing. Allele origin: germline. Affected: yes.
Comment: This variant is considered likely benign or benign based on one or more of the following criteria: it is a conservative change, it occurs at a poorly conserved position in the protein, it is predicted to be benign by multiple in silico algorithms, and/or has population frequency not consistent with disease.

Breakthrough Genomics
Classification: Benign. Review status: criteria provided, single submitter. Criteria: ACMG Guidelines, 2015. Collection method: not provided. Allele origin: germline. Inheritance: Autosomal recessive inheritance. Affected: yes.

NM_001854.4(COL11A1):c.2341-90G>A

Gene: COL11A1 (collagen type XI alpha 1 chain; minus strand). Cytogenetic location: 1p21.1.
Variant type: single nucleotide variant.
Coding change: c.2341-90G>A on transcript NM_001854.4 (MANE Select); 90 bases into the intron before coding-DNA position 2341, G replaced by A.
Molecular consequence: intron variant.
Genome position (GRCh38, 1-based): chr1:102,989,661, C>T on the plus strand (G>A on the coding strand, the complement: COL11A1 is on the minus strand). VCF-style: chr1-102989661-C-T. GRCh37 (hg19) VCF-style: chr1-103455217-C-T.
Other names: c.2224-90G>A (NM_001190709.2); c.2377-90G>A (NM_080629.3); c.1993-90G>A (NM_080630.4).
Identifiers: ClinVar variation 674754 (VCV000674754.2), dbSNP rs1463034, ClinGen allele CA16062686.